The following is an entry in ClinVar:

ClinVar aggregate classification (germline): Pathogenic (0 of 4 stars; one submission).

Conditions:
Familial adenomatous polyposis 1 (FAP1). Also called: POLYPOSIS, ADENOMATOUS INTESTINAL; FAMILIAL ADENOMATOUS POLYPOSIS 1, ATTENUATED. Identifiers: MedGen C2713442, MONDO:0021056, OMIM 175100. Disease mechanism: loss of function.

Submission:

Department of Pathology and Laboratory Medicine, Sinai Health System
Classification: Pathogenic for Familial adenomatous polyposis 1. Review status: no assertion criteria provided. Collection method: clinical testing. Allele origin: unknown. Affected: yes. Study: The Canadian Open Genetics Repository (COGR).
Comment: The APC p.Lys1088Asnfs*32 variant was not identified in the literature nor was it identified in the dbSNP, ClinVar, COGR, Cosmic, LOVD 3.0, UMD-LSDB, Zhejiang University, the Exome Aggregation Consortium (August 8th 2016), or the Genome Aggregation Database (Feb 27, 2017). The c.3260_3263dup variant is predicted to cause a frameshift, which alters the protein's amino acid sequence beginning at codon 1088 and leads to a premature stop codon at position 1119. This alteration is then predicted to result in a truncated or absent protein and loss of function. Loss of function variants of the APC gene are an established mechanism of disease in APC associated cancers and is the type of variant expected to cause the disorder. In summary, based on the above information this variant meets our laboratoryâ€šÃ„Ã´s criteria to be classified as pathogenic.

NM_000038.6(APC):c.3260_3263dup (p.Lys1088fs)

Gene: APC (APC regulator of Wnt signaling pathway; plus strand). Cytogenetic location: 5q22.2.
Variant type: Duplication.
Coding change: c.3260_3263dup on transcript NM_000038.6 (MANE Select); coding-DNA positions 3260 to 3263, 4 bases duplicated (TCAA; older notation c.3260_3263dupTCAA).
Protein change: p.Lys1088fs; shifts the reading frame from lysine 1088.
Molecular consequence: frameshift variant.
Genome position (GRCh38, 1-based): chr5:112,838,854-112,838,857, TCAA duplicated. VCF-style (leftmost placement, unchanged base first): chr5-112838853-C-CTCAA. GRCh37 (hg19) VCF-style: chr5-112174550-C-CTCAA.
Other names: c.3137_3140dup, p.Lys1047fs (NM_001354900.2); c.3083_3086dup, p.Lys1029fs (NM_001354901.2); c.2987_2990dup, p.Lys997fs (NM_001354902.2); c.2957_2960dup, p.Lys987fs (NM_001354903.2); c.2882_2885dup, p.Lys962fs (NM_001354904.2); c.2780_2783dup, p.Lys928fs (NM_001354905.2); c.2411_2414dup, p.Lys805fs (NM_001354906.2); c.3260_3263dup, p.Lys1088fs (NM_001127510.3, NM_001354895.2); and 5 more; short protein forms K1029fs, K1047fs, K1060fs, K1063fs, K1070fs, K1088fs, K1098fs, K1106fs.
Identifiers: ClinVar variation 1050121 (VCV001050121.1), dbSNP rs2149888223, ClinGen allele CA2499217470.
Genomic context (GRCh38, chr5:112,838,853, plus strand): 5'-CAATCAAGGAATCAAAGTACAACTTATCCTGTTTATACTGAGAGCACTGATGATAAACAC[C>CTCAA]TCAAGTTCCAACCACATTTTGGACAGCAGGAATGTGTTTCTCCATACAGGTCACGGGGAG-3'